The following is an entry in ClinVar:

NM_001077365.2(POMT1):c.1372G>A (p.Gly458Arg)

Gene: POMT1 (protein O-mannosyltransferase 1; plus strand). Cytogenetic location: 9q34.13.
Variant type: single nucleotide variant.
Coding change: c.1372G>A on transcript NM_001077365.2 (MANE Select); coding-DNA position 1372, G replaced by A.
Protein change: p.Gly458Arg; replaces glycine 458 with arginine.
Molecular consequence: missense variant. On other transcripts: non-coding transcript variant (10), intron variant (1).
Genome position (GRCh38, 1-based): chr9:131,518,843, G>A. VCF-style: chr9-131518843-G-A. GRCh37 (hg19) VCF-style: chr9-134394230-G-A.
Other names: c.1210G>A, p.Gly404Arg (NM_001077366.2, NM_001353194.2); c.1372G>A, p.Gly458Arg (NM_001136113.2); c.1021G>A, p.Gly341Arg (NM_001136114.2, NM_001353195.2, NM_001374691.1 and 2 more transcripts); c.1438G>A, p.Gly480Arg (NM_001353193.2, NM_007171.4); c.1282G>A, p.Gly428Arg (NM_001353196.2); c.1276G>A, p.Gly426Arg (NM_001353197.2, NM_001353198.2); c.1087G>A, p.Gly363Arg (NM_001353199.2); c.916G>A, p.Gly306Arg (NM_001353200.2); and 4 more; short protein forms G306R, G328R, G341R, G363R, G404R, G426R, G428R, G454R.
Identifiers: ClinVar variation 2443410 (VCV002443410.1), dbSNP rs527627257, ClinGen allele CA375311714.

ClinVar aggregate classification (germline): Uncertain significance (1 of 4 stars; one submission).

Allele frequency attached by ClinVar (database versions not stated): gnomAD exomes 0.00001; TOPMed 0.00003.
gnomAD v4.1: 10 of 1,613,860 alleles (0.00062%); highest among the groups gnomAD compares: East Asian, 0.0089%; no homozygotes.

Submission:

GeneDx
Classification: Uncertain significance. Last evaluated: 2022-09-09. Review status: criteria provided, single submitter. Criteria: GeneDx Variant Classification Process June 2021. Collection method: clinical testing. Allele origin: germline. Affected: yes.
Comment: Not observed at significant frequency in large population cohorts (gnomAD); In silico analysis supports that this missense variant has a deleterious effect on protein structure/function; Has not been previously published as pathogenic or benign to our knowledge; This variant is associated with the following publications: (PMID: 22549409)